The following is an entry in ClinVar:

ClinVar aggregate classification (germline): Uncertain significance (1 of 4 stars; one submission).

Conditions:
Autosomal recessive severe congenital neutropenia due to CSF3R deficiency. Also called: Neutropenia, severe congenital, 7, autosomal recessive. Identifiers: Orphanet 420702, MedGen C4310764, MONDO:0014865, OMIM 617014.

gnomAD v4.1: 4 of 1,614,024 alleles (0.00025%); highest among the groups gnomAD compares: South Asian, 0.0011%; no homozygotes.

Submission:

Labcorp Genetics (formerly Invitae), Labcorp
Classification: Uncertain significance for Autosomal recessive severe congenital neutropenia due to CSF3R deficiency. Last evaluated: 2025-07-08. Review status: criteria provided, single submitter. Criteria: Invitae Variant Classification Sherloc (09022015). Collection method: clinical testing. Allele origin: germline.
Comment: This sequence change replaces proline, which is neutral and non-polar, with threonine, which is neutral and polar, at codon 360 of the CSF3R protein (p.Pro360Thr). This variant is present in population databases (rs751225562, gnomAD 0.003%). This variant has not been reported in the literature in individuals affected with CSF3R-related conditions. Invitae Evidence Modeling of protein sequence and biophysical properties (such as structural, functional, and spatial information, amino acid conservation, physicochemical variation, residue mobility, and thermodynamic stability) has been performed for this missense variant. However, the output from this modeling did not meet the statistical confidence thresholds required to predict the impact of this variant on CSF3R protein function. In summary, the available evidence is currently insufficient to determine the role of this variant in disease. Therefore, it has been classified as a Variant of Uncertain Significance.

NM_000760.4(CSF3R):c.1078C>A (p.Pro360Thr)

Gene: CSF3R (colony stimulating factor 3 receptor; minus strand). Cytogenetic location: 1p34.3.
Variant type: single nucleotide variant.
Coding change: c.1078C>A on transcript NM_000760.4 (MANE Select); coding-DNA position 1078, C replaced by A.
Protein change: p.Pro360Thr; replaces proline 360 with threonine.
Molecular consequence: missense variant.
Genome position (GRCh38, 1-based): chr1:36,471,640, G>T on the plus strand (C>A on the coding strand, the complement: CSF3R is on the minus strand). VCF-style: chr1-36471640-G-T. GRCh37 (hg19) VCF-style: chr1-36937241-G-T.
Other names: c.1078C>A, p.Pro360Thr (NM_156039.3, NM_172313.3); short protein forms P360T.
Identifiers: ClinVar variation 4806365 (VCV004806365.1).